The following is an entry in ClinVar:

ClinVar aggregate classification (germline): Likely pathogenic (1 of 4 stars; one submission).

Conditions:
Cystic fibrosis (CF). Also called: MUCOVISCIDOSIS. Identifiers: Orphanet 586, MedGen C0010674, MONDO:0009061, OMIM 219700. Disease mechanism: loss of function.

Submission:

Neuberg Centre For Genomic Medicine, NCGM
Classification: Likely pathogenic for Cystic fibrosis. Review status: criteria provided, single submitter. Criteria: ACMG Guidelines, 2015. Collection method: clinical testing. Allele origin: germline. Inheritance: Autosomal recessive inheritance. Affected: yes.
Comment: The frameshift variant c.2019_2022dup p.Ala675ArgfsTer15 in the CFTR gene has not been reported previously as a pathogenic variant nor as a benign variant, to our knowledge. The variant is novel not in any individuals in gnomAD Exomes and 1000 Genomes. This variant causes a frameshift starting with codon Alanine 675, changes this amino acid to Arginine residue, and creates a premature Stop codon at position 15 of the new reading frame. This variant is predicted to cause a loss of normal protein function through protein truncation. Loss of function variants has been previously reported to be disease causing Guo et al., 2021. For these reasons, this variant has been classified as Likely Pathogenic.

NM_000492.4(CFTR):c.2019_2022dup (p.Ala675fs)

Gene: CFTR (CF transmembrane conductance regulator; plus strand). Cytogenetic location: 7q31.2.
Variant type: Duplication.
Coding change: c.2019_2022dup on transcript NM_000492.4 (MANE Select); coding-DNA positions 2019 to 2022, 4 bases duplicated (AGAT; older notation c.2019_2022dupAGAT).
Protein change: p.Ala675fs; shifts the reading frame from alanine 675.
Molecular consequence: frameshift variant.
Genome position (GRCh38, 1-based): chr7:117,592,186-117,592,189, AGAT duplicated. VCF-style (leftmost placement, unchanged base first): chr7-117592185-G-GAGAT. GRCh37 (hg19) VCF-style: chr7-117232239-G-GAGAT.
Other names: short protein forms A675fs.
Identifiers: ClinVar variation 3235016 (VCV003235016.1), dbSNP rs2485109724, ClinGen allele CA2825001521.
Genomic context (GRCh38, chr7:117,592,185, plus strand): 5'-TTAGTGCAGAAAGAAGAAATTCAATCCTAACTGAGACCTTACACCGTTTCTCATTAGAAG[G>GAGAT]AGATGCTCCTGTCTCCTGGACAGAAACAAAAAAACAATCTTTTAAACAGACTGGAGAGTT-3'